The following is an entry in ClinVar:

NM_007294.4(BRCA1):c.3125_3134del (p.Ser1042fs)

Gene: BRCA1 (BRCA1 DNA repair associated; minus strand). Cytogenetic location: 17q21.31.
Variant type: Deletion.
Coding change: c.3125_3134del on transcript NM_007294.4 (MANE Select); coding-DNA positions 3125 to 3134, 10 bases deleted (GCAATATTAA; older notation c.3125_3134delGCAATATTAA).
Protein change: p.Ser1042fs; shifts the reading frame from serine 1042.
Molecular consequence: frameshift variant. On other transcripts: intron variant (137).
Genome position (GRCh38, 1-based): chr17:43,092,397-43,092,406, TTAATATTGC deleted on the plus strand (GCAATATTAA on the coding strand, the reverse complement: BRCA1 is on the minus strand); deleting any 10 consecutive bases within chr17:43,092,397-43,092,408 gives the same sequence; the c. name uses the placement nearest the transcript's 3' end. VCF-style (leftmost placement, unchanged base first): chr17-43092396-ATTAATATTGC-A. GRCh37 (hg19) VCF-style: chr17-41244413-ATTAATATTGC-A.
Other names: c.3125_3134delGCAATATTAA (NM_007294.3); c.2912_2921del, p.Ser971fs (NM_001407571.1, NM_001407853.1, NM_001407894.1 and 9 more transcripts); c.3125_3134del, p.Ser1042fs (NM_001407581.1, NM_001407582.1, NM_001407583.1 and 30 more transcripts); c.3122_3131del, p.Ser1041fs (NM_001407587.1, NM_001407590.1, NM_001407591.1 and 22 more transcripts); c.3116_3125del, p.Ser1039fs (NM_001407646.1, NM_001407647.1); c.3002_3011del, p.Ser1001fs (NM_001407648.1, NM_001407664.1, NM_001407665.1 and 19 more transcripts); c.2999_3008del, p.Ser1000fs (NM_001407649.1, NM_001407670.1, NM_001407671.1 and 11 more transcripts); c.3047_3056del, p.Ser1016fs (NM_001407653.1, NM_001407654.1, NM_001407655.1 and 4 more transcripts); and 42 more; short protein forms S995fs, S1042fs, S1015fs, S1041fs, S914fs, S915fs, S975fs, S1000fs.
Identifiers: ClinVar variation 54774 (VCV000054774.3), dbSNP rs397509036, ClinGen allele CA002042.

ClinVar aggregate classification (germline): Pathogenic. Review status: reviewed by expert panel (3 of 4 stars). 2 submissions from 2 submitters: Pathogenic (1). 1 of the submissions does not count toward it. Last evaluated 2017-12-15.

Conditions:
Breast-ovarian cancer, familial, susceptibility to, 1 (BROVCA1). Also called: OVARIAN CANCER, SUSCEPTIBILITY TO; BRCA1 Hereditary Breast and Ovarian Cancer. Identifiers: Orphanet 145, MedGen C2676676, MONDO:0011450, OMIM 604370. Disease mechanism: loss of function.
Familial cancer of breast. Also called: Hereditary breast cancer; hereditary breast carcinoma; BREAST CANCER, FAMILIAL. Identifiers: Orphanet 227535, MedGen C0346153, MONDO:0016419, OMIM 114480. Disease mechanism: loss of function.

Submissions (2):

Evidence-based Network for the Interpretation of Germline Mutant Alleles (ENIGMA)
Classification: Pathogenic for Breast-ovarian cancer, familial, susceptibility to, 1. Last evaluated: 2017-12-15. Review status: reviewed by expert panel. Criteria: ENIGMA BRCA1/2 Classification Criteria (2017-06-29). Collection method: curation. Allele origin: germline. Study: ENIGMA.
Comment: Variant allele predicted to encode a truncated non-functional protein.

ClinVar Staff, National Center for Biotechnology Information (NCBI)
No classification provided. Condition: Familial cancer of breast. Review status: no classification provided. Collection method: literature only. Allele origin: germline. Affected: yes. Not counted in ClinVar's aggregate classification.

Literature cited by the submitters: PubMed 22655046 (cited by ClinVar Staff, National Center for Biotechnology Information (NCBI)).